The following is an entry in ClinVar:

ClinVar aggregate classification (germline): Conflicting classifications of pathogenicity. Review status: criteria provided, conflicting classifications (1 of 4 stars). 2 submissions from 2 submitters: Pathogenic (1); Uncertain significance (1). Last evaluated 2024-11-13.

Conditions:
Epidermolysis bullosa dystrophica. Also called: Dystrophic epidermolysis bullosa, Hallopeau-Siemens type (formerly); Dystrophic epidermolysis bullosa. Identifiers: Orphanet 303, MedGen C0079294, MONDO:0006543.

Submissions (3):

Blueprint Genetics
Classification: Uncertain significance. Last evaluated: 2024-11-13. Review status: criteria provided, single submitter. Criteria: ACMG Guidelines, 2015. Collection method: clinical testing. Allele origin: germline.

Natera, Inc.
Classification: Pathogenic for Dystrophic epidermolysis bullosa. Last evaluated: 2024-11-08. Review status: criteria provided, single submitter. Criteria: Natera Variant Classification Schema (03/2026). Collection method: clinical testing. Allele origin: germline.
Comment: The c.4048-1G>A variant in COL7A1 is a canonical splice acceptor site variant predicted to affect pre-mRNA splicing, which may result in an abnormal transcript and altered protein product. This variant is expected to result in nonsense mediated decay, truncation, or a dysfunctional protein product. This variant is rare in the general population with a frequency below the threshold expected for the associated phenotype(s). This variant has been observed in one or more individuals affected with the associated recessive disease, as either homozygous or compound heterozygous with a second variant (PMID: 19665875, 33969388, 28853495, 17425959). Given the available evidence, this variant is classified as Pathogenic.

Dr. Peter K. Rogan Lab, Western University
No classification provided (evidence only). Condition: Gastric cancer. Review status: no classification provided. Collection method: in vitro. Allele origin: not applicable. Functional consequence: retained intron. Not counted in ClinVar's aggregate classification.

Literature cited by the submitters: PubMed 19665875 (cited by Natera, Inc.); PubMed 33969388 (cited by Natera, Inc.); PubMed 28853495 (cited by Natera, Inc.); PubMed 17425959 (cited by Natera, Inc.).

NM_000094.4(COL7A1):c.4048-1G>A

Gene: COL7A1 (collagen type VII alpha 1 chain; minus strand). Cytogenetic location: 3p21.31.
Variant type: single nucleotide variant.
Coding change: c.4048-1G>A on transcript NM_000094.4 (MANE Select); the canonical splice acceptor site of the intron before coding-DNA position 4048, G replaced by A.
Molecular consequence: splice acceptor variant.
Genome position (GRCh38, 1-based): chr3:48,584,557, C>T on the plus strand (G>A on the coding strand, the complement: COL7A1 is on the minus strand). VCF-style: chr3-48584557-C-T. GRCh37 (hg19) VCF-style: chr3-48621990-C-T.
Other names: NC_000003.11:g.48621990C>T; c.4048-1G>A (NM_000094.3).
Identifiers: ClinVar variation 4297340 (VCV004297340.3).